The following is an entry in ClinVar:

ClinVar aggregate classification (germline): Pathogenic (1 of 4 stars; one submission).

Conditions:
Clark-Baraitser syndrome. Also called: MENTAL RETARDATION, AUTOSOMAL DOMINANT 49; BARAITSER SYNDROME; Mental retardation, tall stature, obesity, macrocephaly and typical facial features; Intellectual disability, autosomal dominant 49. Identifiers: Orphanet 600731, MedGen C2931130, MONDO:0030914, OMIM 617752.

Submission:

Juno Genomics, Hangzhou Juno Genomics, Inc
Classification: Pathogenic for Clark-Baraitser syndrome. Review status: criteria provided, single submitter. Criteria: ACMG Guidelines, 2015. Collection method: clinical testing. Allele origin: germline. Affected: yes.
Comment: Null variant in a gene where loss of function (LOF) is a known mechanism of disease.;Absent from controls (or at extremely low frequency if recessive) in Genome Aggregation Database, Exome Sequencing Project, 1000 Genomes Project, or Exome Aggregation Consortium.;De novo (both maternity and paternity confirmed) in a patient with the disease and no family history.

NM_001348323.3(TRIP12):c.5538_5566del (p.Glu1846fs)

Gene: TRIP12 (thyroid hormone receptor interactor 12; minus strand). Cytogenetic location: 2q36.3.
Variant type: Deletion.
Coding change: c.5538_5566del on transcript NM_001348323.3 (MANE Select); coding-DNA positions 5538 to 5566, 29 bases deleted (GAGTCTACAGTATGCATTAGAAACCTTGA).
Protein change: p.Glu1846fs; shifts the reading frame from glutamic acid 1846.
Molecular consequence: frameshift variant.
Genome position (GRCh38, 1-based): chr2:229,774,225-229,774,253, TCAAGGTTTCTAATGCATACTGTAGACTC deleted on the plus strand (GAGTCTACAGTATGCATTAGAAACCTTGA on the coding strand, the reverse complement: TRIP12 is on the minus strand); deleting any 29 consecutive bases within chr2:229,774,225-229,774,255 gives the same sequence; the c. name uses the placement nearest the transcript's 3' end. VCF-style (leftmost placement, unchanged base first): chr2-229774224-GTCAAGGTTTCTAATGCATACTGTAGACTC-G. GRCh37 (hg19) VCF-style: chr2-230638940-GTCAAGGTTTCTAATGCATACTGTAGACTC-G.
Other names: c.5457_5485del, p.Glu1819fs (NM_001284214.2, NM_001348315.2); c.5412_5440del, p.Glu1804fs (NM_001284215.2, NM_001348316.2); c.4503_4531del, p.Glu1501fs (NM_001284216.2); c.5397_5425del, p.Glu1799fs (NM_001348317.1, NM_001348318.2); c.5523_5551del, p.Glu1841fs (NM_001348319.1, NM_001348320.2); c.5526_5554del, p.Glu1842fs (NM_001348321.1); c.5538_5566del, p.Glu1846fs (NM_001348322.1, NM_001348324.2, NM_001348325.2 and 2 more transcripts); c.5541_5569del, p.Glu1847fs (NM_001348328.1, NM_001348329.2, NM_001348330.2); and 4 more; short protein forms E1501fs, E1771fs, E1772fs, E1799fs, E1804fs, E1812fs, E1819fs, E1820fs.
Identifiers: ClinVar variation 3382573 (VCV003382573.2).